The following is an entry in ClinVar:

NM_014633.5(CTR9):c.3364C>T (p.Arg1122Cys)

Gene: CTR9 (CTR9 component of Paf1/RNA polymerase II complex; plus strand). Cytogenetic location: 11p15.4.
Variant type: single nucleotide variant.
Coding change: c.3364C>T on transcript NM_014633.5 (MANE Select); coding-DNA position 3364, C replaced by T.
Protein change: p.Arg1122Cys; replaces arginine 1122 with cysteine.
Molecular consequence: missense variant.
Genome position (GRCh38, 1-based): chr11:10,778,947, C>T. VCF-style: chr11-10778947-C-T. GRCh37 (hg19) VCF-style: chr11-10800494-C-T.
Other names: c.3292C>T, p.Arg1098Cys (NM_001346279.2); short protein forms R1122C, R1098C.
Identifiers: ClinVar variation 3730577 (VCV003730577.3).

ClinVar aggregate classification (germline): Conflicting classifications of pathogenicity. Review status: criteria provided, conflicting classifications (1 of 4 stars). 2 submissions from 2 submitters: Uncertain significance (1); Likely benign (1). Last evaluated 2026-08-01.

gnomAD v4.1: 12 of 1,614,014 alleles (0.00074%); highest among the groups gnomAD compares: African/African-American, 0.0027%; no homozygotes.

Submissions (2):

CeGaT Center for Human Genetics Tuebingen
Classification: Likely benign. Last evaluated: 2026-08-01. Review status: criteria provided, single submitter. Criteria: CeGaT Center For Human Genetics Tuebingen Variant Classification Criteria Version 2. Collection method: clinical testing. Allele origin: germline. Affected: yes. Observed: 1 variant allele.
Comment: CTR9: BP4, BS2

Labcorp Genetics (formerly Invitae), Labcorp
Classification: Uncertain significance. Last evaluated: 2024-05-08. Review status: criteria provided, single submitter. Criteria: Invitae Variant Classification Sherloc (09022015). Collection method: clinical testing. Allele origin: germline.
Comment: This sequence change replaces arginine, which is basic and polar, with cysteine, which is neutral and slightly polar, at codon 1122 of the CTR9 protein (p.Arg1122Cys). This variant is present in population databases (rs756415574, gnomAD 0.01%). This variant has not been reported in the literature in individuals affected with CTR9-related conditions. An algorithm developed to predict the effect of missense changes on protein structure and function (PolyPhen-2) suggests that this variant is likely to be tolerated. In summary, the available evidence is currently insufficient to determine the role of this variant in disease. Therefore, it has been classified as a Variant of Uncertain Significance.